The following is an entry in ClinVar:

NM_016169.4(SUFU):c.598-1G>T

Gene: SUFU (SUFU negative regulator of hedgehog signaling; plus strand). Cytogenetic location: 10q24.32.
Variant type: single nucleotide variant.
Coding change: c.598-1G>T on transcript NM_016169.4 (MANE Select); the canonical splice acceptor site of the intron before coding-DNA position 598, G replaced by T.
Molecular consequence: splice acceptor variant.
Genome position (GRCh38, 1-based): chr10:102,593,635, G>T. VCF-style: chr10-102593635-G-T. GRCh37 (hg19) VCF-style: chr10-104353392-G-T.
Other names: c.598-1G>T (NM_001178133.2).
Identifiers: ClinVar variation 4759330 (VCV004759330.1).

ClinVar aggregate classification (germline): Likely pathogenic (1 of 4 stars; one submission).

Conditions:
Basal cell nevus syndrome 2 (BCNS2). Also called: NEVOID BASAL CELL CARCINOMA SYNDROME 2. Identifiers: MedGen C5830451, MONDO:0958189, OMIM 620343.

gnomAD v4.1: 1 of 1,614,202 alleles (0.000062%); highest among the groups gnomAD compares: East Asian, 0.0022%; no homozygotes.

Submission:

Institute for Genomic Medicine (IGM) Clinical Laboratory, Nationwide Children's Hospital
Classification: Likely pathogenic for Basal cell nevus syndrome 2. Last evaluated: 2024-02-26. Review status: criteria provided, single submitter. Criteria: ACMG Guidelines, 2015. Collection method: clinical testing. Allele origin: germline.
Comment: This variant is predicted to result in loss of function through nonsense-mediated decay of the encoded transcript or premature truncation of the encoded protein in a gene in which loss of function is a known mechanism of disease (ACMG/AMP: PVS1; PMIDs:17452975, 25403219, 29186568, 29725392). This variant is absent from or present at an exceedingly low frequency in gnomAD, a large-scale control population database (ACMG/AMP: PM2).

Literature cited by the submitters: PubMed 17452975; PubMed 25403219; PubMed 29186568; PubMed 29725392.